The following is an entry in ClinVar:

NM_014159.7(SETD2):c.2660C>T (p.Pro887Leu)

Gene: SETD2 (SET domain containing 2, histone lysine methyltransferase; minus strand). Cytogenetic location: 3p21.31.
Variant type: single nucleotide variant.
Coding change: c.2660C>T on transcript NM_014159.7 (MANE Select); coding-DNA position 2660, C replaced by T.
Protein change: p.Pro887Leu; replaces proline 887 with leucine.
Molecular consequence: missense variant. On other transcripts: non-coding transcript variant (1).
Genome position (GRCh38, 1-based): chr3:47,121,976, G>A on the plus strand (C>T on the coding strand, the complement: SETD2 is on the minus strand). VCF-style: chr3-47121976-G-A. GRCh37 (hg19) VCF-style: chr3-47163466-G-A.
Other names: c.2528C>T, p.Pro843Leu (NM_001349370.3); short protein forms P887L, P843L.
Identifiers: ClinVar variation 4999057 (VCV004999057.1).
Genomic context (GRCh38, chr3:47,121,976, plus strand): 5'-ACTGGAGATGTGTTCTCTCCGCATTTCAAGAGAGTTAGACTGTCCACCTTTATTCCTGGT[G>A]GAAGACTCTGAAGAGATGAAGCAATACCTGAACTCCCAATAGGTTGATATAAATCATCAA-3'
Protein context (NP_054878.5, residues 877-897): SGIASSLQSL[Pro887Leu]PGIKVDSLTL

ClinVar aggregate classification (germline): Uncertain significance (1 of 4 stars; one submission).

Conditions:
SETD2-related disorder.

Submission:

PreventionGenetics, part of Exact Sciences
Classification: Uncertain significance for SETD2-related condition. Last evaluated: 2024-12-19. Review status: criteria provided, single submitter. Criteria: ACMG Guidelines, 2015. Collection method: clinical testing. Allele origin: germline.
Comment: The SETD2 c.2660C>T variant is predicted to result in the amino acid substitution p.Pro887Leu. To our knowledge, this variant has not been reported in the literature or in a large population database (gnomAD), indicating this variant is rare. At this time, the clinical significance of this variant is uncertain due to the absence of conclusive functional and genetic evidence.